The following is an entry in ClinVar:

ClinVar aggregate classification (germline): Uncertain significance. Review status: criteria provided, multiple submitters, no conflicts (2 of 4 stars). 3 submissions from 3 submitters: Uncertain significance (3). Last evaluated 2026-05-15.

Conditions:
DST-related disorder. Also called: DST-related condition; DST-related disorders.
Inborn genetic diseases. Identifiers: MedGen C0950123, MeSH D030342.
Epidermolysis bullosa simplex 3, localized or generalized intermediate, with BP230 deficiency (EBS3). Also called: Epidermolysis bullosa simplex, autosomal recessive 2; Epidermolysis bullosa simplex due to BP230 deficiency. Identifiers: Orphanet 412181, MedGen C3809470, MONDO:0014180, OMIM 615425.
Hereditary sensory and autonomic neuropathy type 6. Also called: HSAN VI; Neuropathy, hereditary sensory and autonomic, type VI. Identifiers: Orphanet 314381, MedGen C3539003, MONDO:0013839, OMIM 614653.

Allele frequency attached by ClinVar (database versions not stated): ExAC 0.00001; gnomAD 0.00003 and 0.00004; gnomAD exomes 0.00003 and 0.00004; TOPMed 0.00006.
gnomAD v4.1: 67 of 1,610,750 alleles (0.0042%); highest among the groups gnomAD compares: Middle Eastern, 0.016%; no homozygotes.

Submissions (3):

PreventionGenetics, part of Exact Sciences
Classification: Uncertain significance for DST-related condition. Last evaluated: 2026-05-15. Review status: criteria provided, single submitter. Criteria: ACMG Guidelines, 2015. Collection method: clinical testing. Allele origin: germline.
Comment: The DST c.5608A>G variant is predicted to result in the amino acid substitution p.Lys1870Glu. To our knowledge, this variant has not been reported in the literature. This variant is reported in 0.0097% of alleles in individuals of Ashkenazi Jewish descent in gnomAD. At this time, the clinical significance of this variant is uncertain due to the absence of conclusive functional and genetic evidence.

Labcorp Genetics (formerly Invitae), Labcorp
Classification: Uncertain significance for Epidermolysis bullosa simplex 3, localized or generalized intermediate, with BP230 deficiency; Hereditary sensory and autonomic neuropathy type 6. Last evaluated: 2026-01-12. Review status: criteria provided, single submitter. Criteria: Invitae Variant Classification Sherloc (09022015). Collection method: clinical testing. Allele origin: germline.
Comment: The DST gene has multiple clinically relevant transcripts. This variant occurs in alternate transcript NM_015548.4, and corresponds to NM_001723.5:c.*17547A>G in the primary transcript. This sequence change replaces lysine, which is basic and polar, with glutamic acid, which is acidic and polar, at codon 1366 of the DST protein (p.Lys1366Glu). This variant is present in population databases (rs768047839, gnomAD 0.01%). This variant has not been reported in the literature in individuals affected with DST-related conditions. ClinVar contains an entry for this variant (Variation ID: 964800). Experimental studies and prediction algorithms are not available or were not evaluated, and the functional significance of this variant is currently unknown. In summary, the available evidence is currently insufficient to determine the role of this variant in disease. Therefore, it has been classified as a Variant of Uncertain Significance.

Ambry Genetics
Classification: Uncertain significance for Inborn genetic diseases. Last evaluated: 2021-06-10. Review status: criteria provided, single submitter. Criteria: Ambry Variant Classification Scheme 2023. Collection method: clinical testing. Allele origin: germline.
Comment: The p.K1870E variant (also known as c.5608A>G), located in coding exon 41 of the DST gene, results from an A to G substitution at nucleotide position 5608. The lysine at codon 1870 is replaced by glutamic acid, an amino acid with similar properties. This amino acid position is well conserved in available vertebrate species. In addition, the in silico prediction for this alteration is inconclusive. Since supporting evidence is limited at this time, the clinical significance of this alteration remains unclear.

NM_001374736.1(DST):c.11965A>G (p.Lys3989Glu)

Gene: DST (dystonin; minus strand). Cytogenetic location: 6p12.1.
Variant type: single nucleotide variant.
Coding change: c.11965A>G on transcript NM_001374736.1 (MANE Select); coding-DNA position 11965, A replaced by G.
Protein change: p.Lys3989Glu; replaces lysine 3989 with glutamic acid.
Molecular consequence: missense variant.
Genome position (GRCh38, 1-based): chr6:56,597,970, T>C on the plus strand (A>G on the coding strand, the complement: DST is on the minus strand). VCF-style: chr6-56597970-T-C. GRCh37 (hg19) VCF-style: chr6-56462768-T-C.
Other names: c.5608A>G, p.Lys1870Glu (NM_001144769.5); c.5194A>G, p.Lys1732Glu (NM_001144770.2); c.11965A>G, p.Lys3989Glu (NM_001374722.1); c.11332A>G, p.Lys3778Glu (NM_001374729.1); c.5074A>G, p.Lys1692Glu (NM_001374730.1, NM_183380.4); c.11992A>G, p.Lys3998Glu (NM_001374734.1); c.4096A>G, p.Lys1366Glu (NM_015548.5); short protein forms K1732E, K1870E, K1366E, K1692E, K3778E, K3989E, K3998E.
Identifiers: ClinVar variation 964800 (VCV000964800.11), dbSNP rs768047839, ClinGen allele CA3868544.